The following is an entry in ClinVar:

NM_000094.4(COL7A1):c.3610G>A (p.Ala1204Thr)

Gene: COL7A1 (collagen type VII alpha 1 chain; minus strand). Cytogenetic location: 3p21.31.
Variant type: single nucleotide variant.
Coding change: c.3610G>A on transcript NM_000094.4 (MANE Select); coding-DNA position 3610, G replaced by A.
Protein change: p.Ala1204Thr; replaces alanine 1204 with threonine.
Molecular consequence: missense variant.
Genome position (GRCh38, 1-based): chr3:48,586,187, C>T on the plus strand (G>A on the coding strand, the complement: COL7A1 is on the minus strand). VCF-style: chr3-48586187-C-T. GRCh37 (hg19) VCF-style: chr3-48623620-C-T.
Other names: short protein forms A1204T.
Identifiers: ClinVar variation 1444949 (VCV001444949.8), dbSNP rs2107747092, ClinGen allele CA352703469.
Genomic context (GRCh38, chr3:48,586,187, plus strand): 5'-GGTCCAGGCTTGGCCCATCATCCACGGCGAAGAAGGTCTGGACAGAGTCCATACCCGGCG[C>T]CAAGCGACGCAGCTGCTCTGGGTCCGCTCCAGCCATTCCCAACATCACCACATTAAGCCC-3'
Protein context (NP_000085.1, residues 1194-1214): GADPEQLRRL[Ala1204Thr]PGMDSVQTFF

ClinVar aggregate classification (germline): Uncertain significance (1 of 4 stars; one submission).

Submission:

Labcorp Genetics (formerly Invitae), Labcorp
Classification: Uncertain significance. Last evaluated: 2025-06-02. Review status: criteria provided, single submitter. Criteria: Invitae Variant Classification Sherloc (09022015). Collection method: clinical testing. Allele origin: germline.
Comment: This sequence change replaces alanine, which is neutral and non-polar, with threonine, which is neutral and polar, at codon 1204 of the COL7A1 protein (p.Ala1204Thr). This variant is not present in population databases (gnomAD no frequency). This variant has not been reported in the literature in individuals affected with COL7A1-related conditions. ClinVar contains an entry for this variant (Variation ID: 1444949). Invitae Evidence Modeling of protein sequence and biophysical properties (such as structural, functional, and spatial information, amino acid conservation, physicochemical variation, residue mobility, and thermodynamic stability) indicates that this missense variant is not expected to disrupt COL7A1 protein function with a negative predictive value of 95%. In summary, the available evidence is currently insufficient to determine the role of this variant in disease. Therefore, it has been classified as a Variant of Uncertain Significance.